The following is an entry in ClinVar:

ClinVar aggregate classification (germline): Uncertain significance. Review status: criteria provided, multiple submitters, no conflicts (2 of 4 stars). 2 submissions from 2 submitters: Uncertain significance (2). Last evaluated 2025-09-18.

Conditions:
Catecholaminergic polymorphic ventricular tachycardia 1. Also called: RYR2-Related Catecholaminergic Polymorphic Ventricular Tachycardia; VENTRICULAR TACHYCARDIA, STRESS-INDUCED POLYMORPHIC 1; VENTRICULAR TACHYCARDIA, CATECHOLAMINERGIC POLYMORPHIC, 1, WITH OR WITHOUT ATRIAL DYSFUNCTION AND/OR DILATED CARDIOMYOPATHY. Identifiers: Orphanet 3286, MedGen C1631597, MONDO:0011484, OMIM 604772.
Cardiomyopathy (CMYO). Also called: Cardiomyopathies. Identifiers: Orphanet 167848, MedGen C0878544, MONDO:0004994, HP:0001638. Inheritance: Various modes of inheritance.

Submissions (2):

Color Diagnostics, LLC DBA Color Health
Classification: Uncertain significance for Cardiomyopathy. Last evaluated: 2025-09-18. Review status: criteria provided, single submitter. Criteria: ACMG Guidelines, 2015. Collection method: clinical testing. Allele origin: germline.
Comment: This missense variant replaces arginine with leucine at codon 4790 of the RYR2 protein. Computational prediction suggests that this variant may have deleterious impact on protein structure and function. To our knowledge, functional studies have not been reported for this variant. This variant has not been reported in individuals affected with RYR2-related disorders in the literature. This variant has not been identified in the general population by the Genome Aggregation Database (gnomAD). The available evidence is insufficient to determine the role of this variant in disease conclusively. Therefore, this variant is classified as a Variant of Uncertain Significance.

Labcorp Genetics (formerly Invitae), Labcorp
Classification: Uncertain significance for Catecholaminergic polymorphic ventricular tachycardia 1. Last evaluated: 2023-10-29. Review status: criteria provided, single submitter. Criteria: Invitae Variant Classification Sherloc (09022015). Collection method: clinical testing. Allele origin: germline.
Comment: This sequence change replaces arginine, which is basic and polar, with leucine, which is neutral and non-polar, at codon 4790 of the RYR2 protein (p.Arg4790Leu). This variant is not present in population databases (gnomAD no frequency). This variant has not been reported in the literature in individuals affected with RYR2-related conditions. Advanced modeling of protein sequence and biophysical properties (such as structural, functional, and spatial information, amino acid conservation, physicochemical variation, residue mobility, and thermodynamic stability) performed at Invitae indicates that this missense variant is expected to disrupt RYR2 protein function with a positive predictive value of 95%. In summary, the available evidence is currently insufficient to determine the role of this variant in disease. Therefore, it has been classified as a Variant of Uncertain Significance.

NM_001035.3(RYR2):c.14369G>T (p.Arg4790Leu)

Gene: RYR2 (ryanodine receptor 2; plus strand). Cytogenetic location: 1q43.
Variant type: single nucleotide variant.
Coding change: c.14369G>T on transcript NM_001035.3 (MANE Select); coding-DNA position 14369, G replaced by T.
Protein change: p.Arg4790Leu; replaces arginine 4790 with leucine.
Molecular consequence: missense variant.
Genome position (GRCh38, 1-based): chr1:237,808,971, G>T. VCF-style: chr1-237808971-G-T. GRCh37 (hg19) VCF-style: chr1-237972271-G-T.
Other names: short protein forms R4790L.
Identifiers: ClinVar variation 2772585 (VCV002772585.4), dbSNP rs750780758, ClinGen allele CA345424306.